The following is an entry in ClinVar:

NM_205768.3(ZBTB18):c.943_944del (p.Arg315fs)

Gene: ZBTB18 (zinc finger and BTB domain containing 18; plus strand). Cytogenetic location: 1q44.
Variant type: Deletion.
Coding change: c.943_944del on transcript NM_205768.3 (MANE Select); coding-DNA positions 943 to 944, 2 bases deleted (AG; older notation c.943_944delAG).
Protein change: p.Arg315fs; shifts the reading frame from arginine 315.
Molecular consequence: frameshift variant.
Genome position (GRCh38, 1-based): chr1:244,054,717-244,054,718, AG deleted. VCF-style (leftmost placement, unchanged base first): chr1-244054716-CAG-C. GRCh37 (hg19) VCF-style: chr1-244218018-CAG-C.
Other names: c.916_917delAG, p.Arg306Glyfs (NM_006352.5); c.916_917del, p.Arg306fs (NM_001278196.2); c.943_944delAG (NM_205768.2); short protein forms R306fs, R315fs.
Identifiers: ClinVar variation 225922 (VCV000225922.4), dbSNP rs1085307108, ClinGen allele CA645293936.

ClinVar aggregate classification (germline): Pathogenic. Review status: criteria provided, multiple submitters, no conflicts (2 of 4 stars). 4 submissions from 4 submitters: Pathogenic (3). 1 of the submissions does not count toward it. Last evaluated 2023-11-03.

Conditions:
ZBTB18-related disorder. Also called: ZBTB18-related condition.
Intellectual developmental disorder, autosomal dominant 22. Also called: Intellectual disability, autosomal dominant 22. Identifiers: MedGen CN029689, MONDO:0012869, OMIM 612337.

Submissions (4):

Blueprint Genetics
Classification: Pathogenic for ZBTB18-related disorders. Last evaluated: 2023-11-03. Review status: criteria provided, single submitter. Criteria: ACMG Guidelines, 2015. Collection method: clinical testing. Allele origin: de novo. Affected: yes. Observed: 1 variant allele.

Laboratoire de Génétique Moléculaire, CHU Bordeaux
Classification: Pathogenic for Intellectual developmental disorder, autosomal dominant 22. Last evaluated: 2020-04-23. Review status: criteria provided, single submitter. Criteria: ACMG Guidelines, 2015. Collection method: clinical testing. Allele origin: germline. Affected: yes.

GeneDx
Classification: Pathogenic. Last evaluated: 2016-04-28. Review status: criteria provided, single submitter. Criteria: GeneDx Variant Classification (06012015). Collection method: clinical testing. Allele origin: germline. Affected: yes.
Comment: The c.943_944delAG variant in the ZBTB18 gene has been observed in internal GeneDx whole exome sequencing data in association with developmental delay, severely limited speech, microcephaly, and hypoplasia of the corpus callosum. The c.943_944delAG variant causes a frameshift starting with codon Arginine 315, changes this amino acid to a Glycine residue and creates a premature Stop codon at position 4 of the new reading frame, denoted p.Arg315GlyfsX4. This variant is predicted to cause loss of normal protein function through protein truncation. The c.943_944delAG variant causes the typical last 217 amino acids to be deleted and replaced by three alternate amino acids. The c.943_944delAG variant was not observed in approximately 6500 individuals of European and African American ancestry in the NHLBI Exome Sequencing Project, indicating it is not a common benign variant in these populations. We interpret c.943_944delAG as a pathogenic variant.

OMIM
Classification: Pathogenic for INTELLECTUAL DEVELOPMENTAL DISORDER, AUTOSOMAL DOMINANT 22. Last evaluated: 2022-04-05. Review status: no assertion criteria provided. Collection method: literature only. Allele origin: germline. Not counted in ClinVar's aggregate classification.

Literature cited by the submitters: PubMed 27598823 (cited by GeneDx and OMIM).